The following is an entry in ClinVar:

ClinVar aggregate classification (germline): Uncertain significance. Review status: criteria provided, multiple submitters, no conflicts (2 of 4 stars). 3 submissions from 3 submitters: Uncertain significance (3). Last evaluated 2026-05-19.

Conditions:
EYA1-related disorder. Also called: EYA1-related condition.
Branchiootorenal syndrome 1. Also called: Branchio-Oto-Renal Syndrome 1. Identifiers: Orphanet 107, MedGen C4551702, MONDO:0007236, OMIM 113650.
Otofaciocervical syndrome 1 (OTFCS). Identifiers: MedGen C3714941, MONDO:0024532, OMIM 166780.
Branchiootic syndrome 1 (BOS1). Also called: BO SYNDROME 1; BRANCHIOOTIC DYSPLASIA. Identifiers: MedGen C1865143, MONDO:0011258, OMIM 602588.

Allele frequency attached by ClinVar (database versions not stated): gnomAD exomes 0.00001 and 0.00002; ExAC 0.00002; gnomAD 0.00004; TOPMed 0.00006; ESP Exome Variant Server 0.00008.
gnomAD v4.1: 22 of 1,614,006 alleles (0.0014%); highest among the groups gnomAD compares: African/African-American, 0.0093%; no homozygotes.

Submissions (3):

PreventionGenetics, part of Exact Sciences
Classification: Uncertain significance for EYA1-related condition. Last evaluated: 2026-05-19. Review status: criteria provided, single submitter. Criteria: ACMG Guidelines, 2015. Collection method: clinical testing. Allele origin: germline.
Comment: The EYA1 c.1426G>A variant is predicted to result in the amino acid substitution p.Asp476Asn. To our knowledge, this variant has not been reported in the literature. This variant is reported in 0.0080% of alleles in individuals of African descent in gnomAD. At this time, the clinical significance of this variant is uncertain due to the absence of conclusive functional and genetic evidence.

Fulgent Genetics
Classification: Uncertain significance for Branchiootorenal syndrome 1; Otofaciocervical syndrome 1; Branchiootic syndrome 1. Last evaluated: 2022-01-04. Review status: criteria provided, single submitter. Criteria: ACMG Guidelines, 2015. Collection method: clinical testing. Allele origin: unknown.

Laboratory for Molecular Medicine, Mass General Brigham Personalized Medicine
Classification: Uncertain significance. Last evaluated: 2015-01-22. Review status: criteria provided, single submitter. Criteria: LMM Criteria. Collection method: clinical testing. Allele origin: germline. Observed: 1 variant allele.
Comment: The p.Asp476Asn variant in EYA1 has not been previously reported in individuals with hearing loss, but has been identified in 1/67644 of European chromosomes an d in 1/10580 of African chromosomes by the Exome Aggregation Consortium (ExAC; dbSNP rs371408686). Although this variant has bee n seen in the general population, its frequency is not high enough to rule out a pathogenic role. Computational prediction tools do not provide strong support f or or against an impact to the protein. In summary, the clinical significance of the p.Asp476Asn variant is uncertain.

NM_000503.6(EYA1):c.1426G>A (p.Asp476Asn)

Gene: EYA1 (EYA transcriptional coactivator and phosphatase 1; minus strand). Cytogenetic location: 8q13.3.
Variant type: single nucleotide variant.
Coding change: c.1426G>A on transcript NM_000503.6 (MANE Select); coding-DNA position 1426, G replaced by A.
Protein change: p.Asp476Asn; replaces aspartic acid 476 with asparagine.
Molecular consequence: missense variant.
Genome position (GRCh38, 1-based): chr8:71,215,663, C>T on the plus strand (G>A on the coding strand, the complement: EYA1 is on the minus strand). VCF-style: chr8-71215663-C-T. GRCh37 (hg19) VCF-style: chr8-72127898-C-T.
Other names: c.1408G>A, p.Asp470Asn (NM_001288574.2, NM_172059.5); c.1060G>A, p.Asp354Asn (NM_001288575.2); c.1513G>A, p.Asp505Asn (NM_001370333.1); c.1426G>A, p.Asp476Asn (NM_001370334.1, NM_001370335.1, NM_172058.4); c.1405G>A, p.Asp469Asn (NM_001370336.1); c.1426G>A (NM_172058.3); short protein forms D476N, D354N, D469N, D505N, D470N.
Identifiers: ClinVar variation 228677 (VCV000228677.6), dbSNP rs371408686, ClinGen allele CA4779468.